The following is an entry in ClinVar:

NM_015166.4(MLC1):c.682del (p.Leu228fs)

Gene: MLC1 (modulator of VRAC current 1; minus strand). Cytogenetic location: 22q13.33.
Variant type: Deletion.
Coding change: c.682del on transcript NM_015166.4 (MANE Select); coding-DNA position 682, one base deleted (C; older notation c.682delC).
Protein change: p.Leu228fs; shifts the reading frame from leucine 228.
Molecular consequence: frameshift variant. On other transcripts: non-coding transcript variant (3).
Genome position (GRCh38, 1-based): chr22:50,074,248, G deleted on the plus strand (C on the coding strand, the reverse complement: MLC1 is on the minus strand); the first of 2 consecutive G bases (chr22:50,074,248-50,074,249); deleting either gives the same sequence. VCF-style (leftmost placement, unchanged base first): chr22-50074247-AG-A. GRCh37 (hg19) VCF-style: chr22-50512676-AG-A.
Other names: c.682del, p.Leu228fs (NM_001376472.1, NM_001376473.1, NM_001376474.1 and 6 more transcripts); c.592del, p.Leu198fs (NM_001376480.1); c.580del, p.Leu194fs (NM_001376481.1); c.526del, p.Leu176fs (NM_001376482.1, NM_001376483.1); c.445del, p.Leu149fs (NM_001376484.1); short protein forms L149fs, L176fs, L194fs, L198fs, L228fs.
Identifiers: ClinVar variation 4815817 (VCV004815817.1).
Genomic context (GRCh38, chr22:50,074,247, plus strand): 5'-GCGGCGGGCGGGCCAGAGGGGTTACTCACGGCCACTAGGATCCAAAAGAACGTCACTGAG[AG>A]GTGTGGGCCTGAAACTGAGTCATCCACGTTCAGGGCAATGATCCCCCCGAGGACGGCAGA-3'

ClinVar aggregate classification (germline): Likely pathogenic (1 of 4 stars; one submission).

Conditions:
Megalencephalic leukoencephalopathy with subcortical cysts. Also called: VAN DER KNAAP DISEASE. Identifiers: Orphanet 2478, MedGen C1858854, MONDO:0011391.

Submission:

Natera, Inc.
Classification: Likely pathogenic for Megalencephalic leukoencephalopathy with subcortical cysts. Last evaluated: 2024-09-22. Review status: criteria provided, single submitter. Criteria: Natera Variant Classification Schema (03/2026). Collection method: clinical testing. Allele origin: germline.
Comment: The c.682del variant in MLC1 is a frameshift variant predicted to shift the reading frame beginning at codon 228 and leads to a stop codon 3 codons downstream. This variant is expected to result in nonsense mediated decay, truncation, or a dysfunctional protein product. This variant is rare in the general population with a frequency below the threshold expected for the associated phenotype(s). Given the available evidence, this variant is classified as Likely Pathogenic.